The following is an entry in ClinVar:

NM_138694.4(PKHD1):c.3983T>C (p.Val1328Ala)

Gene: PKHD1 (PKHD1 ciliary IPT domain containing fibrocystin/polyductin; minus strand). Cytogenetic location: 6p12.2.
Variant type: single nucleotide variant.
Coding change: c.3983T>C on transcript NM_138694.4 (MANE Select); coding-DNA position 3983, T replaced by C.
Protein change: p.Val1328Ala; replaces valine 1328 with alanine.
Molecular consequence: missense variant.
Genome position (GRCh38, 1-based): chr6:52,025,827, A>G on the plus strand (T>C on the coding strand, the complement: PKHD1 is on the minus strand). VCF-style: chr6-52025827-A-G. GRCh37 (hg19) VCF-style: chr6-51890625-A-G.
Other names: c.3983T>C, p.Val1328Ala (NM_170724.3); short protein forms V1328A.
Identifiers: ClinVar variation 1407419 (VCV001407419.6), dbSNP rs767017869, ClinGen allele CA3852803.

ClinVar aggregate classification (germline): Uncertain significance (1 of 4 stars; one submission).

Conditions:
Autosomal recessive polycystic kidney disease (ARPKD). Also called: AR polycystic kidney disease. Identifiers: Orphanet 731, Orphanet 8378, MedGen C0085548, MeSH D017044, MONDO:0009889.

Allele frequency attached by ClinVar (database versions not stated): gnomAD 0.00001; gnomAD exomes 0.00001; ExAC 0.00002.
gnomAD v4.1: 5 of 1,614,038 alleles (0.00031%); highest among the groups gnomAD compares: Admixed American, 0.0067%; no homozygotes.

Submission:

Labcorp Genetics (formerly Invitae), Labcorp
Classification: Uncertain significance for Autosomal recessive polycystic kidney disease. Last evaluated: 2024-05-15. Review status: criteria provided, single submitter. Criteria: Invitae Variant Classification Sherloc (09022015). Collection method: clinical testing. Allele origin: germline.
Comment: This sequence change replaces valine, which is neutral and non-polar, with alanine, which is neutral and non-polar, at codon 1328 of the PKHD1 protein (p.Val1328Ala). This variant is present in population databases (rs767017869, gnomAD 0.009%). This variant has not been reported in the literature in individuals affected with PKHD1-related conditions. ClinVar contains an entry for this variant (Variation ID: 1407419). Advanced modeling of protein sequence and biophysical properties (such as structural, functional, and spatial information, amino acid conservation, physicochemical variation, residue mobility, and thermodynamic stability) performed at Invitae indicates that this missense variant is not expected to disrupt PKHD1 protein function with a negative predictive value of 95%. In summary, the available evidence is currently insufficient to determine the role of this variant in disease. Therefore, it has been classified as a Variant of Uncertain Significance.